The following is an entry in ClinVar:

NM_016333.4(SRRM2):c.5247_5249dup (p.Ser1750_Pro1751insSer)

Gene: SRRM2 (serine/arginine repetitive matrix 2; plus strand). Cytogenetic location: 16p13.3.
Variant type: Duplication.
Coding change: c.5247_5249dup on transcript NM_016333.4 (MANE Select); coding-DNA positions 5247 to 5249, 3 bases duplicated (ATC; older notation c.5247_5249dupATC).
Protein change: p.Ser1750_Pro1751insSer.
Molecular consequence: inframe insertion.
Genome position (GRCh38, 1-based): chr16:2,765,775-2,765,777, ATC duplicated; duplicating any 3 consecutive bases within chr16:2,765,773-2,765,777 gives the same sequence; the c. name uses the placement nearest the transcript's 3' end. VCF-style (leftmost placement, unchanged base first): chr16-2765772-T-TTCA. GRCh37 (hg19) VCF-style: chr16-2815773-T-TTCA.
Identifiers: ClinVar variation 3899180 (VCV003899180.1).
Genomic context (GRCh38, chr16:2,765,772, plus strand): 5'-CTCAGTGTCTTCCCCGGAGCCAGCCGAAAAATCGAGGTCTTCACGCCGACGGCGCTCAGC[T>TTCA]TCATCTCCACGCACTAAGACAACCTCAAGGAGAGGCCGCTCTCCTTCGCCAAAGCCTCGT-3'

ClinVar aggregate classification (germline): Uncertain significance (1 of 4 stars; one submission).

Submission:

GeneDx
Classification: Uncertain significance. Last evaluated: 2024-11-11. Review status: criteria provided, single submitter. Criteria: GeneDx Variant Classification Process June 2021. Collection method: clinical testing. Allele origin: germline. Affected: yes.
Comment: Not observed at significant frequency in large population cohorts (gnomAD); In-frame duplication of 1 amino acid in a non-repeat region; Has not been previously published as pathogenic or benign to our knowledge